The following is an entry in ClinVar:

NM_001854.4(COL11A1):c.257C>A (p.Thr86Lys)

Gene: COL11A1 (collagen type XI alpha 1 chain; minus strand). Cytogenetic location: 1p21.1.
Variant type: single nucleotide variant.
Coding change: c.257C>A on transcript NM_001854.4 (MANE Select); coding-DNA position 257, C replaced by A.
Protein change: p.Thr86Lys; replaces threonine 86 with lysine.
Molecular consequence: missense variant. On other transcripts: non-coding transcript variant (1).
Genome position (GRCh38, 1-based): chr1:103,082,822, G>T on the plus strand (C>A on the coding strand, the complement: COL11A1 is on the minus strand). VCF-style: chr1-103082822-G-T. GRCh37 (hg19) VCF-style: chr1-103548378-G-T.
Other names: c.257C>A, p.Thr86Lys (NM_001168249.1, NM_001190709.2, NM_080629.3 and 1 more transcripts); short protein forms T86K.
Identifiers: ClinVar variation 2864973 (VCV002864973.3), dbSNP rs2526235979, ClinGen allele CA341168470.
Genomic context (GRCh38, chr1:103,082,822, plus strand): 5'-ACTTTTAGTAATAATAACAATAATAATAATAAAGTGAATATACCTGGAAATAACTGTTTT[G>T]TTGGGGCACTGAGTTGTGCTTGCTTTGAAACTCTGTAAGCAGTATCTGAGCCTTTAGAAT-3'
Protein context (NP_001845.3, residues 76-96): VSKQAQLSAP[Thr86Lys]KQLFPGGTFP

ClinVar aggregate classification (germline): Uncertain significance (1 of 4 stars; one submission).

Submission:

Labcorp Genetics (formerly Invitae), Labcorp
Classification: Uncertain significance. Last evaluated: 2024-12-12. Review status: criteria provided, single submitter. Criteria: Invitae Variant Classification Sherloc (09022015). Collection method: clinical testing. Allele origin: germline.
Comment: This sequence change replaces threonine, which is neutral and polar, with lysine, which is basic and polar, at codon 86 of the COL11A1 protein (p.Thr86Lys). This variant is not present in population databases (gnomAD no frequency). This variant has not been reported in the literature in individuals affected with COL11A1-related conditions. ClinVar contains an entry for this variant (Variation ID: 2864973). An algorithm developed to predict the effect of missense changes on protein structure and function (PolyPhen-2) suggests that this variant is likely to be disruptive. In summary, the available evidence is currently insufficient to determine the role of this variant in disease. Therefore, it has been classified as a Variant of Uncertain Significance.